The following is an entry in ClinVar:

NM_033337.3(CAV3):c.177G>C (p.Lys59Asn)

Genes: CAV3 (caveolin 3; plus strand), OXTR (oxytocin receptor; minus strand). Cytogenetic location: 3p25.3.
Variant type: single nucleotide variant.
Coding change: c.177G>C on transcript NM_033337.3 (MANE Select); coding-DNA position 177, G replaced by C.
Protein change: p.Lys59Asn; replaces lysine 59 with asparagine.
Molecular consequence: missense variant.
Genome position (GRCh38, 1-based): chr3:8,745,588, G>C. VCF-style: chr3-8745588-G-C. GRCh37 (hg19) VCF-style: chr3-8787274-G-C.
Other names: c.177G>C, p.Lys59Asn (NM_001234.5); short protein forms K59N.
Identifiers: ClinVar variation 1059414 (VCV001059414.5), dbSNP rs1708131659, ClinGen allele CA351663234.

ClinVar aggregate classification (germline): Uncertain significance (1 of 4 stars; one submission).

Conditions:
Long QT syndrome (LQTS). Identifiers: MedGen C0023976, MeSH D008133, MONDO:0002442. Disease mechanism: loss of function. Inheritance: Various modes of inheritance.

Submission:

Labcorp Genetics (formerly Invitae), Labcorp
Classification: Uncertain significance for Long QT syndrome. Last evaluated: 2022-03-01. Review status: criteria provided, single submitter. Criteria: Invitae Variant Classification Sherloc (09022015). Collection method: clinical testing. Allele origin: germline.
Comment: This sequence change replaces lysine, which is basic and polar, with asparagine, which is neutral and polar, at codon 59 of the CAV3 protein (p.Lys59Asn). This variant is not present in population databases (gnomAD no frequency). In summary, the available evidence is currently insufficient to determine the role of this variant in disease. Therefore, it has been classified as a Variant of Uncertain Significance. Algorithms developed to predict the effect of missense changes on protein structure and function (SIFT, PolyPhen-2, Align-GVGD) all suggest that this variant is likely to be disruptive. ClinVar contains an entry for this variant (Variation ID: 1059414). This variant has not been reported in the literature in individuals affected with CAV3-related conditions.